The following is an entry in ClinVar:

NM_198252.3(GSN):c.1874T>C (p.Ile625Thr)

Gene: GSN (gelsolin; plus strand). Cytogenetic location: 9q33.2.
Variant type: single nucleotide variant.
Coding change: c.1874T>C on transcript NM_198252.3 (MANE Select); coding-DNA position 1874, T replaced by C.
Protein change: p.Ile625Thr; replaces isoleucine 625 with threonine.
Molecular consequence: missense variant.
Genome position (GRCh38, 1-based): chr9:121,329,002, T>C. VCF-style: chr9-121329002-T-C. GRCh37 (hg19) VCF-style: chr9-124091280-T-C.
Other names: c.2027T>C, p.Ile676Thr (NM_000177.5); c.1874T>C, p.Ile625Thr (NM_001127662.2, NM_001127664.2, NM_001127665.2 and 10 more transcripts); c.1982T>C, p.Ile661Thr (NM_001127663.2); c.1907T>C, p.Ile636Thr (NM_001127666.2, NM_001127667.2, NM_001353063.2 and 13 more transcripts); c.1925T>C, p.Ile642Thr (NM_001258029.2); c.1898T>C, p.Ile633Thr (NM_001258030.2); c.1946T>C, p.Ile649Thr (NM_001353076.2); c.1220T>C, p.Ile407Thr (NM_001353078.2); short protein forms I649T, I407T, I642T, I661T, I633T, I636T, I625T, I676T.
Identifiers: ClinVar variation 913955 (VCV000913955.6), dbSNP rs777767455, ClinGen allele CA5221438.

ClinVar aggregate classification (germline): Benign/Likely benign. Review status: criteria provided, multiple submitters, no conflicts (2 of 4 stars). 3 submissions from 3 submitters: Benign (1); Likely benign (2). Last evaluated 2025-09-05.

Conditions:
Inborn genetic diseases. Identifiers: MedGen C0950123, MeSH D030342.
Finnish type amyloidosis. Also called: Lattice corneal dystrophy associated with familial systemic amyloidosis; Meretoja's syndrome; Lattice dystrophy of the cornea with hereditary generalized amyloidosis; AMYLOID CRANIAL NEUROPATHY WITH LATTICE CORNEAL DYSTROPHY; AMYLOIDOSIS DUE TO MUTANT GELSOLIN; Amyloidosis, familial, Finnish type. Identifiers: Orphanet 85448, MedGen C1622345, MONDO:0007097, OMIM 105120.

Allele frequency attached by ClinVar (database versions not stated): gnomAD 0.00001; TOPMed 0.00002; gnomAD exomes 0.00004 and 0.00008; ExAC 0.00008.

Submissions (3):

Labcorp Genetics (formerly Invitae), Labcorp
Classification: Likely benign. Last evaluated: 2025-09-05. Review status: criteria provided, single submitter. Criteria: Invitae Variant Classification Sherloc (09022015). Collection method: clinical testing. Allele origin: germline.

Ambry Genetics
Classification: Likely benign for Inborn genetic diseases. Last evaluated: 2024-11-11. Review status: criteria provided, single submitter. Criteria: Ambry Variant Classification Scheme 2023. Collection method: clinical testing. Allele origin: germline.

Illumina Laboratory Services, Illumina
Classification: Benign for Finnish type amyloidosis. Last evaluated: 2018-01-13. Review status: criteria provided, single submitter. Criteria: ICSL Variant Classification Criteria 13 December 2019. Collection method: clinical testing. Allele origin: germline.
Comment: This variant was observed in the ICSL laboratory as part of a predisposition screen in an ostensibly healthy population. It had not been previously curated by ICSL or reported in the Human Gene Mutation Database (HGMD: prior to June 1st, 2018), and was therefore a candidate for classification through an automated scoring system. Utilizing variant allele frequency, disease prevalence and penetrance estimates, and inheritance mode, an automated score was calculated to assess if this variant is too frequent to cause the disease. Based on the score and internal cut-off values, a variant classified as benign is not then subjected to further curation. The score for this variant resulted in a classification of benign for this disease.